The following is an entry in ClinVar:

ClinVar aggregate classification (germline): Conflicting classifications of pathogenicity. Review status: criteria provided, conflicting classifications (1 of 4 stars). 5 submissions from 4 submitters: Uncertain significance (3); Likely benign (2). Last evaluated 2026-07-01.

Conditions:
TNFRSF11A-related disorder. Also called: TNFRSF11A-related condition.
Paget disease of bone 2, early-onset (PDB2). Also called: Paget disease of bone 2. Identifiers: MedGen C4085251, MONDO:0011183, OMIM 602080.
Autosomal recessive osteopetrosis 7. Identifiers: Orphanet 178389, MedGen C2676766, MONDO:0012859, OMIM 612301.

Allele frequency attached by ClinVar (database versions not stated): gnomAD 0.00003; gnomAD exomes 0.00005 and 0.00008; ESP Exome Variant Server 0.00008.
gnomAD v4.1: 128 of 1,609,914 alleles (0.008%); highest among the groups gnomAD compares: Non-Finnish European, 0.0093%; no homozygotes.

Submissions (5):

CeGaT Center for Human Genetics Tuebingen
Classification: Likely benign. Last evaluated: 2026-07-01. Review status: criteria provided, single submitter. Criteria: CeGaT Center For Human Genetics Tuebingen Variant Classification Criteria Version 2. Collection method: clinical testing. Allele origin: germline. Affected: yes. Observed: 1 variant allele.
Comment: TNFRSF11A: BP4, BP7

PreventionGenetics, part of Exact Sciences
Classification: Uncertain significance for TNFRSF11A-related condition. Last evaluated: 2026-06-14. Review status: criteria provided, single submitter. Criteria: ACMG Guidelines, 2015. Collection method: clinical testing. Allele origin: germline.
Comment: The TNFRSF11A c.447A>G variant is not predicted to result in an amino acid change (p.=). To our knowledge, this variant has not been reported in the literature. This variant is reported in 0.0062% of alleles in individuals of European (Non-Finnish) descent in gnomAD. At this time, the clinical significance of this variant is uncertain due to the absence of conclusive functional and genetic evidence.

Labcorp Genetics (formerly Invitae), Labcorp
Classification: Likely benign. Last evaluated: 2025-10-27. Review status: criteria provided, single submitter. Criteria: Invitae Variant Classification Sherloc (09022015). Collection method: clinical testing. Allele origin: germline.

Illumina Laboratory Services, Illumina
Classification: Uncertain significance for Paget disease of bone 2, early-onset. Last evaluated: 2018-01-12. Review status: criteria provided, single submitter. Criteria: ICSL Variant Classification Criteria 13 December 2019. Collection method: clinical testing. Allele origin: germline.

Illumina Laboratory Services, Illumina
Classification: Uncertain significance for Autosomal recessive osteopetrosis 7. Last evaluated: 2018-01-12. Review status: criteria provided, single submitter. Criteria: ICSL Variant Classification Criteria 13 December 2019. Collection method: clinical testing. Allele origin: germline.

NM_003839.4(TNFRSF11A):c.447A>G (p.Thr149=)

Gene: TNFRSF11A (TNF receptor superfamily member 11a; plus strand). Cytogenetic location: 18q21.33.
Variant type: single nucleotide variant.
Coding change: c.447A>G on transcript NM_003839.4 (MANE Select); coding-DNA position 447, A replaced by G.
Protein change: p.Thr149=; no amino-acid change (threonine 149 retained).
Molecular consequence: synonymous variant. On other transcripts: intron variant (1).
Genome position (GRCh38, 1-based): chr18:62,358,267, A>G. VCF-style: chr18-62358267-A-G. GRCh37 (hg19) VCF-style: chr18-60025500-A-G.
Other names: c.447A>G, p.Thr149= (NM_001270949.2, NM_001270950.2, NM_001270951.2); c.428-23A>G (NM_001278268.2).
Identifiers: ClinVar variation 888869 (VCV000888869.13), dbSNP rs376113816, ClinGen allele CA8983766.